The following is an entry in ClinVar:

NM_006516.4(SLC2A1):c.263A>G (p.Asn88Ser)

Gene: SLC2A1 (solute carrier family 2 member 1; minus strand). Cytogenetic location: 1p34.2.
Variant type: single nucleotide variant.
Coding change: c.263A>G on transcript NM_006516.4 (MANE Select); coding-DNA position 263, A replaced by G.
Protein change: p.Asn88Ser; replaces asparagine 88 with serine.
Molecular consequence: missense variant.
Genome position (GRCh38, 1-based): chr1:42,931,058, T>C on the plus strand (A>G on the coding strand, the complement: SLC2A1 is on the minus strand). VCF-style: chr1-42931058-T-C. GRCh37 (hg19) VCF-style: chr1-43396729-T-C.
Other names: short protein forms N88S.
Identifiers: ClinVar variation 2662840 (VCV002662840.1), dbSNP rs2524998983, ClinGen allele CA339961597.

ClinVar aggregate classification (germline): Uncertain significance (1 of 4 stars; one submission).

Submission:

GeneDx
Classification: Uncertain significance. Last evaluated: 2023-10-24. Review status: criteria provided, single submitter. Criteria: GeneDx Variant Classification Process June 2021. Collection method: clinical testing. Allele origin: germline. Affected: yes.
Comment: Not observed at significant frequency in large population cohorts (gnomAD); In silico analysis supports that this missense variant has a deleterious effect on protein structure/function; Has not been previously published as pathogenic or benign to our knowledge